The following is an entry in ClinVar:

ClinVar aggregate classification (germline): Uncertain significance. Review status: criteria provided, multiple submitters, no conflicts (2 of 4 stars). 2 submissions from 2 submitters: Uncertain significance (2). Last evaluated 2023-08-29.

Conditions:
Brown-Vialetto-van Laere syndrome 2. Also called: Riboflavin transporter deficiency type 2; SPINOCEREBELLAR ATAXIA WITH BLINDNESS AND DEAFNESS 2. Identifiers: Orphanet 572543, Orphanet 97229, MedGen C3553538, MONDO:0013867, OMIM 614707.

Allele frequency attached by ClinVar (database versions not stated): gnomAD exomes below 0.00001; TOPMed 0.00001.

Submissions (2):

Mayo Clinic Laboratories, Mayo Clinic
Classification: Uncertain significance. Last evaluated: 2023-08-29. Review status: criteria provided, single submitter. Criteria: ACMG Guidelines, 2015. Collection method: clinical testing. Allele origin: germline. Observed: 1 variant allele.
Comment: PM2_moderate

Labcorp Genetics (formerly Invitae), Labcorp
Classification: Uncertain significance for Brown-Vialetto-van Laere syndrome 2. Last evaluated: 2020-04-22. Review status: criteria provided, single submitter. Criteria: Invitae Variant Classification Sherloc (09022015). Collection method: clinical testing. Allele origin: germline.
Comment: This sequence change affects codon 375 of the SLC52A2 mRNA. It is a 'silent' change, meaning that it does not change the encoded amino acid sequence of the SLC52A2 protein. This variant also falls at the last nucleotide of exon 4 of the SLC52A2 coding sequence, which is part of the consensus splice site for this exon. This variant is not present in population databases (ExAC no frequency). This variant has not been reported in the literature in individuals with SLC52A2-related conditions. Nucleotide substitutions within the consensus splice site are a relatively common cause of aberrant splicing (PMID: 17576681, 9536098). Algorithms developed to predict the effect of sequence changes on RNA splicing suggest that this variant may disrupt the consensus splice site, but this prediction has not been confirmed by published transcriptional studies. In summary, the available evidence is currently insufficient to determine the role of this variant in disease. Therefore, it has been classified as a Variant of Uncertain Significance.

Literature cited by the submitters: PubMed 17576681 (cited by Labcorp Genetics (formerly Invitae), Labcorp); PubMed 9536098 (cited by Labcorp Genetics (formerly Invitae), Labcorp).

NM_001363118.2(SLC52A2):c.1125G>A (p.Val375=)

Gene: SLC52A2 (solute carrier family 52 member 2; plus strand). Cytogenetic location: 8q24.3.
Variant type: single nucleotide variant.
Coding change: c.1125G>A on transcript NM_001363118.2 (MANE Select); coding-DNA position 1125, G replaced by A.
Protein change: p.Val375=; no amino-acid change (valine 375 retained).
Molecular consequence: synonymous variant. On other transcripts: non-coding transcript variant (1).
Genome position (GRCh38, 1-based): chr8:144,360,713, G>A. VCF-style: chr8-144360713-G-A. GRCh37 (hg19) VCF-style: chr8-145584373-G-A.
Other names: p.Val375=; c.1125G>A, p.Val375= (NM_001253815.2, NM_001253816.2, NM_001363120.2 and 2 more transcripts); c.633G>A, p.Val211= (NM_001363122.2).
Identifiers: ClinVar variation 1058477 (VCV001058477.2), dbSNP rs1376573822, ClinGen allele CA463550369.